The following is an entry in ClinVar:

ClinVar aggregate classification (germline): Uncertain significance (1 of 4 stars; one submission).

Submission:

Labcorp Genetics (formerly Invitae), Labcorp
Classification: Uncertain significance. Last evaluated: 2022-06-13. Review status: criteria provided, single submitter. Criteria: Invitae Variant Classification Sherloc (09022015). Collection method: clinical testing. Allele origin: germline.
Comment: In summary, the available evidence is currently insufficient to determine the role of this variant in disease. Therefore, it has been classified as a Variant of Uncertain Significance. Algorithms developed to predict the effect of missense changes on protein structure and function (SIFT, PolyPhen-2, Align-GVGD) all suggest that this variant is likely to be disruptive. This variant has not been reported in the literature in individuals affected with RP1-related conditions. This variant is not present in population databases (gnomAD no frequency). This sequence change replaces serine, which is neutral and polar, with phenylalanine, which is neutral and non-polar, at codon 247 of the RP1 protein (p.Ser247Phe).

NM_006269.2(RP1):c.740C>T (p.Ser247Phe)

Gene: RP1 (RP1 axonemal microtubule associated; plus strand). Cytogenetic location: 8q12.1.
Variant type: single nucleotide variant.
Coding change: c.740C>T on transcript NM_006269.2 (MANE Select); coding-DNA position 740, C replaced by T.
Protein change: p.Ser247Phe; replaces serine 247 with phenylalanine.
Molecular consequence: missense variant.
Genome position (GRCh38, 1-based): chr8:54,622,241, C>T. VCF-style: chr8-54622241-C-T. GRCh37 (hg19) VCF-style: chr8-55534801-C-T.
Other names: c.740C>T, p.Ser247Phe (NM_001375654.1); short protein forms S247F.
Identifiers: ClinVar variation 1495749 (VCV001495749.6), dbSNP rs2129314793, ClinGen allele CA370988184.